The following is an entry in ClinVar:

ClinVar aggregate classification (germline): Uncertain significance (1 of 4 stars; one submission).

gnomAD v4.1: 12 of 1,563,144 alleles (0.00077%); highest among the groups gnomAD compares: African/African-American, 0.0014%; no homozygotes.

Submission:

GeneDx
Classification: Uncertain significance. Last evaluated: 2024-05-23. Review status: criteria provided, single submitter. Criteria: GeneDx Variant Classification Process June 2021. Collection method: clinical testing. Allele origin: germline. Affected: yes.
Comment: Not observed at significant frequency in large population cohorts (gnomAD); In silico analysis indicates that this missense variant does not alter protein structure/function; Has not been previously published as pathogenic or benign to our knowledge

NM_001042424.3(NSD2):c.4079G>C (p.Arg1360Thr)

Gene: NSD2 (nuclear receptor binding SET domain protein 2; plus strand). Cytogenetic location: 4p16.3.
Variant type: single nucleotide variant.
Coding change: c.4079G>C on transcript NM_001042424.3 (MANE Select); coding-DNA position 4079, G replaced by C.
Protein change: p.Arg1360Thr; replaces arginine 1360 with threonine.
Molecular consequence: missense variant.
Genome position (GRCh38, 1-based): chr4:1,978,890, G>C. VCF-style: chr4-1978890-G-C. GRCh37 (hg19) VCF-style: chr4-1980617-G-C.
Other names: c.4079G>C, p.Arg1360Thr (NM_133330.3, NM_133331.3, NM_133335.4); short protein forms R1360T.
Identifiers: ClinVar variation 3390662 (VCV003390662.1).